The following is an entry in ClinVar:

NM_201253.3(CRB1):c.699T>A (p.Cys233Ter)

Gene: CRB1 (crumbs cell polarity complex component 1; plus strand). Cytogenetic location: 1q31.3.
Variant type: single nucleotide variant.
Coding change: c.699T>A on transcript NM_201253.3 (MANE Select); coding-DNA position 699, T replaced by A.
Protein change: p.Cys233Ter; replaces cysteine 233 with a stop codon.
Molecular consequence: nonsense. On other transcripts: non-coding transcript variant (2), intron variant (1).
Genome position (GRCh38, 1-based): chr1:197,344,327, T>A. VCF-style: chr1-197344327-T-A. GRCh37 (hg19) VCF-style: chr1-197313457-T-A.
Other names: c.492T>A, p.Cys164Ter (NM_001257965.2); c.699T>A, p.Cys233Ter (NM_001257966.2); c.653-12504T>A (NM_001193640.2); short protein forms C164*, C233*.
Identifiers: ClinVar variation 931806 (VCV000931806.3), dbSNP rs1659643864, ClinGen allele CA344083206.

ClinVar aggregate classification (germline): Pathogenic (1 of 4 stars; one submission).

Conditions:
Pigmented paravenous retinochoroidal atrophy. Identifiers: Orphanet 251295, MedGen C1868310, MONDO:0008246, OMIM 172870.

Allele frequency attached by ClinVar (database versions not stated): gnomAD exomes below 0.00001.
gnomAD v4.1: 1 of 1,614,212 alleles (0.000062%); highest among the groups gnomAD compares: Non-Finnish European, 0.000085%; no homozygotes.

Submission:

Centre for Mendelian Genomics, University Medical Centre Ljubljana
Classification: Pathogenic for Pigmented paravenous retinochoroidal atrophy. Last evaluated: 2020-01-19. Review status: criteria provided, single submitter. Criteria: ACMG Guidelines, 2015. Collection method: clinical testing. Allele origin: unknown. Affected: yes.
Comment: This variant was classified as: Pathogenic. The following ACMG criteria were applied in classifying this variant: PVS1,PM2,PP3. This variant was detected in homozygous state.